The following is an entry in ClinVar:

NM_001127208.3(TET2):c.4319_4331del (p.Arg1440fs)

Genes: TET2 (tet methylcytosine dioxygenase 2; plus strand), TET2-AS1 (TET2 antisense RNA 1; minus strand). Cytogenetic location: 4q24.
Variant type: Deletion.
Coding change: c.4319_4331del on transcript NM_001127208.3 (MANE Select); coding-DNA positions 4319 to 4331, 13 bases deleted (GGAGTGGTGCCAT).
Protein change: p.Arg1440fs; shifts the reading frame from arginine 1440.
Molecular consequence: frameshift variant.
Genome position (GRCh38, 1-based): chr4:105,272,700-105,272,712, GGAGTGGTGCCAT deleted. VCF-style (leftmost placement, unchanged base first): chr4-105272699-CGGAGTGGTGCCAT-C. GRCh37 (hg19) VCF-style: chr4-106193856-CGGAGTGGTGCCAT-C.
Other names: short protein forms R1440fs.
Identifiers: ClinVar variation 2820494 (VCV002820494.3), dbSNP rs2476723457, ClinGen allele CA2739270220.

ClinVar aggregate classification (germline): Uncertain significance (1 of 4 stars; one submission).

Submission:

Labcorp Genetics (formerly Invitae), Labcorp
Classification: Uncertain significance. Last evaluated: 2022-12-12. Review status: criteria provided, single submitter. Criteria: Invitae Variant Classification Sherloc (09022015). Collection method: clinical testing. Allele origin: germline.
Comment: In summary, the available evidence is currently insufficient to determine the role of this variant in disease. Therefore, it has been classified as a Variant of Uncertain Significance. This variant has not been reported in the literature in individuals affected with TET2-related conditions. This variant is not present in population databases (gnomAD no frequency). This sequence change creates a premature translational stop signal (p.Arg1440Leufs*4) in the TET2 gene. It is expected to result in an absent or disrupted protein product. However, the current clinical and genetic evidence is not sufficient to establish whether loss-of-function variants in TET2 cause disease.